The following is an entry in ClinVar:

ClinVar aggregate classification (germline): Uncertain significance (1 of 4 stars; one submission).

Conditions:
Tuberous sclerosis 1 (TSC1). Identifiers: Orphanet 805, MedGen C1854465, MONDO:0008612, OMIM 191100.

Submission:

Labcorp Genetics (formerly Invitae), Labcorp
Classification: Uncertain significance for Tuberous sclerosis 1. Last evaluated: 2024-02-20. Review status: criteria provided, single submitter. Criteria: Invitae Variant Classification Sherloc (09022015). Collection method: clinical testing. Allele origin: germline.
Comment: This sequence change falls in intron 15 of the TSC1 gene. It does not directly change the encoded amino acid sequence of the TSC1 protein. This variant is not present in population databases (gnomAD no frequency). This variant has not been reported in the literature in individuals affected with TSC1-related conditions. ClinVar contains an entry for this variant (Variation ID: 1375851). Algorithms developed to predict the effect of sequence changes on RNA splicing suggest that this variant may disrupt the consensus splice site. In summary, the available evidence is currently insufficient to determine the role of this variant in disease. Therefore, it has been classified as a Variant of Uncertain Significance.

NM_000368.5(TSC1):c.1998-14A>G

Gene: TSC1 (TSC complex subunit 1; minus strand). Cytogenetic location: 9q34.13.
Variant type: single nucleotide variant.
Coding change: c.1998-14A>G on transcript NM_000368.5 (MANE Select); 14 bases into the intron before coding-DNA position 1998, A replaced by G.
Molecular consequence: intron variant.
Genome position (GRCh38, 1-based): chr9:132,904,468, T>C on the plus strand (A>G on the coding strand, the complement: TSC1 is on the minus strand). VCF-style: chr9-132904468-T-C. GRCh37 (hg19) VCF-style: chr9-135779855-T-C.
Other names: c.1635-14A>G (NM_001362177.2); c.1845-14A>G (NM_001162427.2); c.1995-14A>G (NM_001162426.2).
Identifiers: ClinVar variation 1375851 (VCV001375851.6), dbSNP rs1845549826, ClinGen allele CA2573144262.